The following is an entry in ClinVar:

ClinVar aggregate classification (germline): Pathogenic (1 of 4 stars; one submission).

Conditions:
Gorlin syndrome. Also called: Basal cell nevus syndrome; Nevoid Basal Cell Carcinoma Syndrome. Identifiers: Orphanet 377, MedGen C0004779, MONDO:0007187.

Submission:

Labcorp Genetics (formerly Invitae), Labcorp
Classification: Pathogenic for Gorlin syndrome. Last evaluated: 2019-03-11. Review status: criteria provided, single submitter. Criteria: Invitae Variant Classification Sherloc (09022015). Collection method: clinical testing. Allele origin: germline.
Comment: For these reasons, this variant has been classified as Pathogenic. Loss-of-function variants in PTCH1 are known to be pathogenic (PMID: 16301862, 16419085). This variant has not been reported in the literature in individuals with PTCH1-related conditions. This variant is not present in population databases (ExAC no frequency). This sequence change creates a premature translational stop signal (p.Asn97Leufs*42) in the PTCH1 gene. It is expected to result in an absent or disrupted protein product.

Literature cited by the submitters: PubMed 16301862; PubMed 16419085.

NM_000264.5(PTCH1):c.289_290del (p.Asn97fs)

Gene: PTCH1 (patched 1; minus strand). Cytogenetic location: 9q22.32.
Variant type: Deletion.
Coding change: c.289_290del on transcript NM_000264.5 (MANE Select); coding-DNA positions 289 to 290, 2 bases deleted (AA; older notation c.289_290delAA).
Protein change: p.Asn97fs; shifts the reading frame from asparagine 97.
Molecular consequence: frameshift variant. On other transcripts: 5 prime UTR variant (4), non-coding transcript variant (1).
Genome position (GRCh38, 1-based): chr9:95,506,511-95,506,512, TT deleted on the plus strand (AA on the coding strand, the reverse complement: PTCH1 is on the minus strand); deleting any 2 consecutive bases within chr9:95,506,511-95,506,517 gives the same sequence; the c. name uses the placement nearest the transcript's 3' end. VCF-style (leftmost placement, unchanged base first): chr9-95506510-GTT-G. GRCh37 (hg19) VCF-style: chr9-98268792-GTT-G.
Other names: c.91_92del, p.Asn31fs (NM_001083602.3, NM_001354919.2); c.286_287del, p.Asn96fs (NM_001083603.3); c.-165_-164del (NM_001083604.3, NM_001083605.3, NM_001083606.3 and 1 more transcripts); c.289_290del, p.Asn97fs (NM_001354918.2); short protein forms N31fs, N97fs, N96fs.
Identifiers: ClinVar variation 835447 (VCV000835447.8), dbSNP rs1554708751, ClinGen allele CA916081539.